The following is an entry in ClinVar:

ClinVar aggregate classification (germline): Likely benign. Review status: criteria provided, multiple submitters, no conflicts (2 of 4 stars). 3 submissions from 3 submitters: Likely benign (2). 1 of the submissions does not count toward it. Last evaluated 2025-12-27.

Conditions:
Peroxisome biogenesis disorder. Identifiers: Orphanet 79189, MedGen C1832200, MONDO:0019234. Disease mechanism: loss of function.
PEX6-related disorder. Also called: PEX6-related disorders; PEX6-related condition.

Allele frequency attached by ClinVar (database versions not stated): gnomAD 0.00001; TOPMed 0.00001; ExAC 0.00004.

Submissions (3):

Labcorp Genetics (formerly Invitae), Labcorp
Classification: Likely benign for Peroxisome biogenesis disorder. Last evaluated: 2025-12-27. Review status: criteria provided, single submitter. Criteria: Invitae Variant Classification Sherloc (09022015). Collection method: clinical testing. Allele origin: germline.

Blueprint Genetics
Classification: Likely benign. Last evaluated: 2024-10-11. Review status: criteria provided, single submitter. Criteria: ACMG Guidelines, 2015. Collection method: clinical testing. Allele origin: germline.

PreventionGenetics, part of Exact Sciences
Classification: Likely benign for PEX6-related condition. Last evaluated: 2019-07-30. Review status: no assertion criteria provided. Collection method: clinical testing. Allele origin: germline. Not counted in ClinVar's aggregate classification.
Comment: This variant is classified as likely benign based on ACMG/AMP sequence variant interpretation guidelines (Richards et al. 2015 PMID: 25741868, with internal and published modifications).

NM_000287.4(PEX6):c.1737G>A (p.Leu579=)

Gene: PEX6 (peroxisomal biogenesis factor 6; minus strand). Cytogenetic location: 6p21.1.
Variant type: single nucleotide variant.
Coding change: c.1737G>A on transcript NM_000287.4 (MANE Select); coding-DNA position 1737, G replaced by A.
Protein change: p.Leu579=; no amino-acid change (leucine 579 retained).
Molecular consequence: synonymous variant. On other transcripts: non-coding transcript variant (1).
Genome position (GRCh38, 1-based): chr6:42,967,515, C>T on the plus strand (G>A on the coding strand, the complement: PEX6 is on the minus strand). VCF-style: chr6-42967515-C-T. GRCh37 (hg19) VCF-style: chr6-42935253-C-T.
Other names: c.1737G>A (NM_000287.3); c.1473G>A, p.Leu491= (NM_001316313.2).
Identifiers: ClinVar variation 1671469 (VCV001671469.11), dbSNP rs766766609, ClinGen allele CA3811228.